The following is an entry in ClinVar:

ClinVar aggregate classification (germline): Uncertain significance. Review status: criteria provided, multiple submitters, no conflicts (2 of 4 stars). 2 submissions from 2 submitters: Uncertain significance (2). Last evaluated 2024-12-27.

Conditions:
Inborn genetic diseases. Identifiers: MedGen C0950123, MeSH D030342.
D-2-hydroxyglutaric aciduria 1 (D2HGA1). Identifiers: Orphanet 79315, MedGen C3152055, MONDO:0024554, OMIM 600721.

Allele frequency attached by ClinVar (database versions not stated): gnomAD 0.00004; TOPMed 0.00004; ExAC 0.00006; gnomAD exomes 0.00008; ESP Exome Variant Server 0.00023.
gnomAD v4.1: 121 of 1,612,828 alleles (0.0075%); highest among the groups gnomAD compares: Non-Finnish European, 0.0098%; no homozygotes.

Submissions (2):

Ambry Genetics
Classification: Uncertain significance for Inborn genetic diseases. Last evaluated: 2024-12-27. Review status: criteria provided, single submitter. Criteria: Ambry Variant Classification Scheme 2023. Collection method: clinical testing. Allele origin: germline.

Labcorp Genetics (formerly Invitae), Labcorp
Classification: Uncertain significance for D-2-hydroxyglutaric aciduria 1. Last evaluated: 2024-10-16. Review status: criteria provided, single submitter. Criteria: Invitae Variant Classification Sherloc (09022015). Collection method: clinical testing. Allele origin: germline.
Comment: This sequence change replaces leucine, which is neutral and non-polar, with phenylalanine, which is neutral and non-polar, at codon 442 of the D2HGDH protein (p.Leu442Phe). This variant is present in population databases (rs140633201, gnomAD 0.01%). This variant has not been reported in the literature in individuals affected with D2HGDH-related conditions. ClinVar contains an entry for this variant (Variation ID: 2071147). Invitae Evidence Modeling of protein sequence and biophysical properties (such as structural, functional, and spatial information, amino acid conservation, physicochemical variation, residue mobility, and thermodynamic stability) has been performed for this missense variant. However, the output from this modeling did not meet the statistical confidence thresholds required to predict the impact of this variant on D2HGDH protein function. In summary, the available evidence is currently insufficient to determine the role of this variant in disease. Therefore, it has been classified as a Variant of Uncertain Significance.

NM_152783.5(D2HGDH):c.1324C>T (p.Leu442Phe)

Gene: D2HGDH (D-2-hydroxyglutarate dehydrogenase; plus strand). Cytogenetic location: 2q37.3.
Variant type: single nucleotide variant.
Coding change: c.1324C>T on transcript NM_152783.5 (MANE Select); coding-DNA position 1324, C replaced by T.
Protein change: p.Leu442Phe; replaces leucine 442 with phenylalanine.
Molecular consequence: missense variant. On other transcripts: non-coding transcript variant (1).
Genome position (GRCh38, 1-based): chr2:241,767,727, C>T. VCF-style: chr2-241767727-C-T. GRCh37 (hg19) VCF-style: chr2-242707142-C-T.
Other names: c.1324C>T (NM_152783.3); c.922C>T, p.Leu308Phe (NM_001287249.2); c.763C>T, p.Leu255Phe (NM_001352824.2); short protein forms L308F, L442F, L255F.
Identifiers: ClinVar variation 2071147 (VCV002071147.5), dbSNP rs140633201, ClinGen allele CA2222204.
Genomic context (GRCh38, chr2:241,767,727, plus strand): 5'-GGCTGCCCTGCCCAGCCTGACCCATGTGCCCTTGTCCCTCCAGGAGATGGTAACCTGCAC[C>T]TCAATGTGACGGCGGAGGCCTTCAGCCCCTCGCTCCTGGCTGCCCTGGAGCCCCACGTGT-3'
Protein context (NP_689996.4, residues 432-452): YGHLGDGNLH[Leu442Phe]NVTAEAFSPS